The following is an entry in ClinVar:

ClinVar aggregate classification (germline): Uncertain significance (1 of 4 stars; one submission).

Submission:

Mayo Clinic Laboratories, Mayo Clinic
Classification: Uncertain significance. Last evaluated: 2022-05-13. Review status: criteria provided, single submitter. Criteria: ACMG Guidelines, 2015. Collection method: clinical testing. Allele origin: germline. Observed: 1 variant allele.
Comment: PM2_supporting

NM_005188.4(CBL):c.1727A>G (p.Asp576Gly)

Gene: CBL (Cbl proto-oncogene; plus strand). Cytogenetic location: 11q23.3.
Variant type: single nucleotide variant.
Coding change: c.1727A>G on transcript NM_005188.4 (MANE Select); coding-DNA position 1727, A replaced by G.
Protein change: p.Asp576Gly; replaces aspartic acid 576 with glycine.
Molecular consequence: missense variant.
Genome position (GRCh38, 1-based): chr11:119,285,352, A>G. VCF-style: chr11-119285352-A-G. GRCh37 (hg19) VCF-style: chr11-119156062-A-G.
Other names: p.Asp576Gly; short protein forms D576G.
Identifiers: ClinVar variation 2683171 (VCV002683171.1), dbSNP rs2135310613, ClinGen allele CA382919854.
Genomic context (GRCh38, chr11:119,285,352, plus strand): 5'-CAGAATCCCGACCTCAAAGACGCCCCTTGCCTTGTACACCAGGCGACTGTCCCTCCAGAG[A>G]CAAACTGCCCCCTGTCCCCTCTAGCCGCCTTGGAGACTCATGGCTGCCCCGGCCAATCCC-3'
Protein context (NP_005179.2, residues 566-586): PCTPGDCPSR[Asp576Gly]KLPPVPSSRL